The following is an entry in ClinVar:

ClinVar aggregate classification (germline): Conflicting classifications of pathogenicity. Review status: criteria provided, conflicting classifications (1 of 4 stars). 6 submissions from 6 submitters: Uncertain significance (4); Likely benign (1). 1 of the submissions does not count toward it. Last evaluated 2026-01-26.

Conditions:
PKHD1-related disorder. Also called: PKHD1-related condition.
Inborn genetic diseases. Identifiers: MedGen C0950123, MeSH D030342.
Autosomal recessive polycystic kidney disease (ARPKD). Also called: AR polycystic kidney disease. Identifiers: Orphanet 731, Orphanet 8378, MedGen C0085548, MeSH D017044, MONDO:0009889.

Allele frequency attached by ClinVar (database versions not stated): gnomAD 0.00049 and 0.00052; TOPMed 0.00049; ESP Exome Variant Server 0.00054; 1000 Genomes Project 30x 0.00094; 1000 Genomes Project 0.00100.
gnomAD v4.1: 145 of 1,613,720 alleles (0.009%); highest among the groups gnomAD compares: African/African-American, 0.17%; no homozygotes.

Submissions (6):

PreventionGenetics, part of Exact Sciences
Classification: Uncertain significance for PKHD1-related condition. Last evaluated: 2026-01-26. Review status: criteria provided, single submitter. Criteria: ACMG Guidelines, 2015. Collection method: clinical testing. Allele origin: germline.
Comment: The PKHD1 c.10531G>A variant is predicted to result in the amino acid substitution p.Gly3511Arg. To our knowledge, this variant has not been reported in the literature. This variant is reported in 0.13% of alleles in individuals of African descent in gnomAD. Although we suspect that this variant may be benign, at this time, the clinical significance of this variant is uncertain due to the absence of conclusive functional and genetic evidence.

Labcorp Genetics (formerly Invitae), Labcorp
Classification: Likely benign for Autosomal recessive polycystic kidney disease. Last evaluated: 2026-01-11. Review status: criteria provided, single submitter. Criteria: Invitae Variant Classification Sherloc (09022015). Collection method: clinical testing. Allele origin: germline.

GeneDx
Classification: Uncertain significance. Last evaluated: 2025-12-01. Review status: criteria provided, single submitter. Criteria: GeneDx Variant Classification Process June 2021. Collection method: clinical testing. Allele origin: germline. Affected: yes.
Comment: In silico analysis suggests that this missense variant does not alter protein structure/function; Has not been previously published as pathogenic or benign to our knowledge

Ambry Genetics
Classification: Uncertain significance for Inborn genetic diseases. Last evaluated: 2025-08-25. Review status: criteria provided, single submitter. Criteria: Ambry Variant Classification Scheme 2023. Collection method: clinical testing. Allele origin: germline.

Eurofins Ntd Llc (ga)
Classification: Uncertain significance. Last evaluated: 2018-08-09. Review status: criteria provided, single submitter. Criteria: EGL ClinVar v180209 classification definitions. Collection method: clinical testing. Allele origin: germline. Observed: 2 variant alleles, 2 heterozygotes.

Natera, Inc.
Classification: Uncertain significance for Autosomal recessive polycystic kidney disease. Last evaluated: 2018-06-19. Review status: no assertion criteria provided. Collection method: clinical testing. Allele origin: germline. Not counted in ClinVar's aggregate classification.

NM_138694.4(PKHD1):c.10531G>A (p.Gly3511Arg)

Gene: PKHD1 (PKHD1 ciliary IPT domain containing fibrocystin/polyductin; minus strand). Cytogenetic location: 6p12.3.
Variant type: single nucleotide variant.
Coding change: c.10531G>A on transcript NM_138694.4 (MANE Select); coding-DNA position 10531, G replaced by A.
Protein change: p.Gly3511Arg; replaces glycine 3511 with arginine.
Molecular consequence: missense variant.
Genome position (GRCh38, 1-based): chr6:51,659,595, C>T on the plus strand (G>A on the coding strand, the complement: PKHD1 is on the minus strand). VCF-style: chr6-51659595-C-T. GRCh37 (hg19) VCF-style: chr6-51524393-C-T.
Other names: short protein forms G3511R.
Identifiers: ClinVar variation 598351 (VCV000598351.23), dbSNP rs112030234, ClinGen allele CA3851058.
Genomic context (GRCh38, chr6:51,659,595, plus strand): 5'-TAGATTCATTCAGCAATAAGGAAGCTGACTGAACCAGAGTGGGTGGAATAAAACTTTCCC[C>T]TAAGAAGACGTGGGGGCTCTGGAGCTCATGGTAGAATACAGCCAAGAGAAGCTTGGAGGT-3'
Protein context (NP_619639.3, residues 3501-3521): HELQSPHVFL[Gly3511Arg]ESFIPPTLVQ